The following is an entry in ClinVar:

NM_033026.6(PCLO):c.13670A>G (p.Glu4557Gly)

Gene: PCLO (piccolo presynaptic cytomatrix protein; minus strand). Cytogenetic location: 7q21.11.
Variant type: single nucleotide variant.
Coding change: c.13670A>G on transcript NM_033026.6 (MANE Select); coding-DNA position 13670, A replaced by G.
Protein change: p.Glu4557Gly; replaces glutamic acid 4557 with glycine.
Molecular consequence: missense variant.
Genome position (GRCh38, 1-based): chr7:82,847,232, T>C on the plus strand (A>G on the coding strand, the complement: PCLO is on the minus strand). VCF-style: chr7-82847232-T-C. GRCh37 (hg19) VCF-style: chr7-82476548-T-C.
Other names: c.13670A>G, p.Glu4557Gly (NM_014510.3); short protein forms E4557G.
Identifiers: ClinVar variation 1440435 (VCV001440435.6), dbSNP rs1454319976, ClinGen allele CA367879775.

ClinVar aggregate classification (germline): Uncertain significance (1 of 4 stars; one submission).

Allele frequency attached by ClinVar (database versions not stated): gnomAD exomes below 0.00001.
gnomAD v4.1: 1 of 1,587,104 alleles (0.000063%); no homozygotes.

Submission:

Labcorp Genetics (formerly Invitae), Labcorp
Classification: Uncertain significance. Last evaluated: 2025-01-06. Review status: criteria provided, single submitter. Criteria: Invitae Variant Classification Sherloc (09022015). Collection method: clinical testing. Allele origin: germline.
Comment: This sequence change replaces glutamic acid, which is acidic and polar, with glycine, which is neutral and non-polar, at codon 4557 of the PCLO protein (p.Glu4557Gly). This variant is present in population databases (no rsID available, gnomAD 0.006%). This variant has not been reported in the literature in individuals affected with PCLO-related conditions. ClinVar contains an entry for this variant (Variation ID: 1440435). Experimental studies and prediction algorithms are not available or were not evaluated, and the functional significance of this variant is currently unknown. In summary, the available evidence is currently insufficient to determine the role of this variant in disease. Therefore, it has been classified as a Variant of Uncertain Significance.